The following is an entry in ClinVar:

NM_004958.4(MTOR):c.1292C>T (p.Thr431Ile)

Gene: MTOR (mechanistic target of rapamycin kinase; minus strand). Cytogenetic location: 1p36.22.
Variant type: single nucleotide variant.
Coding change: c.1292C>T on transcript NM_004958.4 (MANE Select); coding-DNA position 1292, C replaced by T.
Protein change: p.Thr431Ile; replaces threonine 431 with isoleucine.
Molecular consequence: missense variant.
Genome position (GRCh38, 1-based): chr1:11,243,234, G>A on the plus strand (C>T on the coding strand, the complement: MTOR is on the minus strand). VCF-style: chr1-11243234-G-A. GRCh37 (hg19) VCF-style: chr1-11303291-G-A.
Other names: c.1292C>T, p.Thr431Ile (NM_001386500.1); c.44C>T, p.Thr15Ile (NM_001386501.1); short protein forms T431I, T15I.
Identifiers: ClinVar variation 1488155 (VCV001488155.8), dbSNP rs1648330886, ClinGen allele CA338396569.

ClinVar aggregate classification (germline): Uncertain significance (1 of 4 stars; one submission).

Allele frequency attached by ClinVar (database versions not stated): TOPMed below 0.00001; gnomAD 0.00001; gnomAD exomes 0.00001.
gnomAD v4.1: 11 of 1,614,104 alleles (0.00068%); highest among the groups gnomAD compares: South Asian, 0.0011%; no homozygotes.

Submission:

Labcorp Genetics (formerly Invitae), Labcorp
Classification: Uncertain significance. Last evaluated: 2025-07-13. Review status: criteria provided, single submitter. Criteria: Invitae Variant Classification Sherloc (09022015). Collection method: clinical testing. Allele origin: germline.
Comment: This sequence change replaces threonine, which is neutral and polar, with isoleucine, which is neutral and non-polar, at codon 431 of the MTOR protein (p.Thr431Ile). This variant is not present in population databases (gnomAD no frequency). This variant has not been reported in the literature in individuals affected with MTOR-related conditions. ClinVar contains an entry for this variant (Variation ID: 1488155). Invitae Evidence Modeling of protein sequence and biophysical properties (such as structural, functional, and spatial information, amino acid conservation, physicochemical variation, residue mobility, and thermodynamic stability) indicates that this missense variant is not expected to disrupt MTOR protein function with a negative predictive value of 95%. In summary, the available evidence is currently insufficient to determine the role of this variant in disease. Therefore, it has been classified as a Variant of Uncertain Significance.